The following is an entry in ClinVar:

NM_080425.4(GNAS):c.2069-5304_2069-5281dup

Gene: GNAS (GNAS complex locus; plus strand). Cytogenetic location: 20q13.32.
Variant type: Duplication.
Coding change: c.2069-5304_2069-5281dup on transcript NM_080425.4 (MANE Plus Clinical); 5304 bases into the intron before coding-DNA position 2069 through 5281 bases into the intron before coding-DNA position 2069, 24 bases duplicated (TCGGGGGCGCCGAGGAGGGCGCCG).
Molecular consequence: intron variant.
Genome position (GRCh38, 1-based): chr20:58,890,308-58,890,331, TCGGGGGCGCCGAGGAGGGCGCCG duplicated; duplicating any 24 consecutive bases within chr20:58,890,288-58,890,331 gives the same sequence; the c. name uses the placement nearest the transcript's 3' end. VCF-style (leftmost placement, unchanged base first): chr20-58890287-A-AGGGCGCCGAGGAGGGCGCCGTCGG. GRCh37 (hg19) VCF-style: chr20-57465342-A-AGGGCGCCGAGGAGGGCGCCGTCGG.
Other names: c.2069-5304_2069-5281dup (NM_001410913.1); c.*159-5304_*159-5281dup (NM_001309883.1); c.-39+955_-39+978dup (NM_001438273.1, NM_001309840.2); c.-39+976_-39+999dup (NM_001439291.1, NM_001438274.1); c.*43-5304_*43-5281dup (NM_016592.5); c.44-5304_44-5281dup (NM_001410912.1); c.-38-5304_-38-5281dup (NM_001309861.2); c.*1-5304_*1-5281dup (NM_001077490.3).
Identifiers: ClinVar variation 4084894 (VCV004084894.8).

ClinVar aggregate classification (germline): Likely benign (1 of 4 stars; one submission).

Submission:

CeGaT Center for Human Genetics Tuebingen
Classification: Likely benign. Last evaluated: 2025-07-01. Review status: criteria provided, single submitter. Criteria: CeGaT Center For Human Genetics Tuebingen Variant Classification Criteria Version 2. Collection method: clinical testing. Allele origin: germline. Affected: yes. Observed: 1 variant allele.
Comment: GNAS: PM4, BS2